The following is an entry in ClinVar:

NM_000046.5(ARSB):c.1024G>A (p.Val342Met)

Gene: ARSB (arylsulfatase B; minus strand). Cytogenetic location: 5q14.1.
Variant type: single nucleotide variant.
Coding change: c.1024G>A on transcript NM_000046.5 (MANE Select); coding-DNA position 1024, G replaced by A.
Protein change: p.Val342Met; replaces valine 342 with methionine.
Molecular consequence: missense variant.
Genome position (GRCh38, 1-based): chr5:78,885,702, C>T on the plus strand (G>A on the coding strand, the complement: ARSB is on the minus strand). VCF-style: chr5-78885702-C-T. GRCh37 (hg19) VCF-style: chr5-78181525-C-T.
Other names: c.1024G>A (NM_000046.3); c.1024G>A, p.Val342Met (NM_198709.3); short protein forms V342M.
Identifiers: ClinVar variation 2080128 (VCV002080128.5), dbSNP rs749593643, ClinGen allele CA3318133.

ClinVar aggregate classification (germline): Uncertain significance. Review status: criteria provided, multiple submitters, no conflicts (2 of 4 stars). 3 submissions from 3 submitters: Uncertain significance (3). Last evaluated 2024-08-01.

Conditions:
Inborn genetic diseases. Identifiers: MedGen C0950123, MeSH D030342.
Mucopolysaccharidosis type 6 (MPS6). Also called: ARSB DEFICIENCY; ARYLSULFATASE B DEFICIENCY; MPS 6; Maroteaux Lamy syndrome; MPS VI; N-ACETYLGALACTOSAMINE-4-SULFATASE DEFICIENCY. Identifiers: Orphanet 583, MedGen C0026709, MONDO:0009661, OMIM 253200.

Allele frequency attached by ClinVar (database versions not stated): ExAC 0.00001; TOPMed 0.00001.
gnomAD v4.1: 45 of 1,614,114 alleles (0.0028%); highest among the groups gnomAD compares: East Asian, 0.0089%; no homozygotes.

Submissions (3):

Ambry Genetics
Classification: Uncertain significance for Inborn genetic diseases. Last evaluated: 2024-08-01. Review status: criteria provided, single submitter. Criteria: Ambry Variant Classification Scheme 2023. Collection method: clinical testing. Allele origin: germline.

Labcorp Genetics (formerly Invitae), Labcorp
Classification: Uncertain significance for Mucopolysaccharidosis type 6. Last evaluated: 2022-04-18. Review status: criteria provided, single submitter. Criteria: Invitae Variant Classification Sherloc (09022015). Collection method: clinical testing. Allele origin: germline.
Comment: This sequence change replaces valine, which is neutral and non-polar, with methionine, which is neutral and non-polar, at codon 342 of the ARSB protein (p.Val342Met). This variant is present in population databases (rs749593643, gnomAD 0.007%). This variant has not been reported in the literature in individuals affected with ARSB-related conditions. Advanced modeling of protein sequence and biophysical properties (such as structural, functional, and spatial information, amino acid conservation, physicochemical variation, residue mobility, and thermodynamic stability) performed at Invitae indicates that this missense variant is not expected to disrupt ARSB protein function. In summary, the available evidence is currently insufficient to determine the role of this variant in disease. Therefore, it has been classified as a Variant of Uncertain Significance.

Revvity Omics, Revvity
Classification: Uncertain significance for Mucopolysaccharidosis type 6. Last evaluated: 2019-07-22. Review status: criteria provided, single submitter. Criteria: ACMG Guidelines, 2015. Collection method: clinical testing. Allele origin: germline.